The following is an entry in ClinVar:

ClinVar aggregate classification (germline): Uncertain significance. Review status: criteria provided, multiple submitters, no conflicts (2 of 4 stars). 2 submissions from 2 submitters: Uncertain significance (2). Last evaluated 2023-06-03.

Conditions:
Mucopolysaccharidosis type 1. Also called: Mucopolysaccharidosis Type I; IDUA deficiency; MPS I. Identifiers: Orphanet 579, MedGen C0023786, MONDO:0001586.

Submissions (2):

Labcorp Genetics (formerly Invitae), Labcorp
Classification: Uncertain significance for Mucopolysaccharidosis type 1. Last evaluated: 2023-06-03. Review status: criteria provided, single submitter. Criteria: Invitae Variant Classification Sherloc (09022015). Collection method: clinical testing. Allele origin: germline.
Comment: In summary, the available evidence is currently insufficient to determine the role of this variant in disease. Therefore, it has been classified as a Variant of Uncertain Significance. Experimental studies and prediction algorithms are not available or were not evaluated, and the functional significance of this variant is currently unknown. This variant has not been reported in the literature in individuals affected with IDUA-related conditions. This variant is not present in population databases (gnomAD no frequency). This variant, c.1509_1511del, results in the deletion of 1 amino acid(s) of the IDUA protein (p.Met504del), but otherwise preserves the integrity of the reading frame.

Revvity Omics, Revvity
Classification: Uncertain significance. Last evaluated: 2023-03-22. Review status: criteria provided, single submitter. Criteria: ACMG Guidelines, 2015. Collection method: clinical testing. Allele origin: germline.

NM_000203.5(IDUA):c.1509_1511del (p.Met504del)

Gene: IDUA (alpha-L-iduronidase; plus strand). Cytogenetic location: 4p16.3.
Variant type: Deletion.
Coding change: c.1509_1511del on transcript NM_000203.5 (MANE Select); coding-DNA positions 1509 to 1511, 3 bases deleted (CAT; older notation c.1509_1511delCAT).
Protein change: p.Met504del; deletes methionine 504.
Molecular consequence: inframe deletion. On other transcripts: non-coding transcript variant (1).
Genome position (GRCh38, 1-based): chr4:1,003,142-1,003,144, CAT deleted. VCF-style (leftmost placement, unchanged base first): chr4-1003141-GCAT-G. GRCh37 (hg19) VCF-style: chr4-996929-GCAT-G.
Other names: c.1113_1115del, p.Met372del (NM_001363576.1); short protein forms M372del, M504del.
Identifiers: ClinVar variation 2689232 (VCV002689232.5), dbSNP rs2534095558, ClinGen allele CA2697557056.
Genomic context (GRCh38, chr4:1,003,141, plus strand): 5'-CCGACGGCGAGTGGCGGCGCCTGGGCCGGCCCGTCTTCCCCACGGCAGAGCAGTTCCGGC[GCAT>G]GCGCGCGGCTGAGGTAGGTGGGCCGCGGAGGGGCGAGGGGCCGGGCCGGGCCGGGGTCCC-3'